The following is an entry in ClinVar:

ClinVar aggregate classification (germline): Uncertain significance (1 of 4 stars; one submission).

Conditions:
Hypertrophic cardiomyopathy. Also called: HYPERTROPHIC MYOCARDIOPATHY. Identifiers: Orphanet 217569, MedGen C0007194, MeSH D002312, MONDO:0005045, HP:0001639.

Submission:

Labcorp Genetics (formerly Invitae), Labcorp
Classification: Uncertain significance for Hypertrophic cardiomyopathy. Last evaluated: 2021-04-30. Review status: criteria provided, single submitter. Criteria: Invitae Variant Classification Sherloc (09022015). Collection method: clinical testing. Allele origin: germline.
Comment: In summary, the available evidence is currently insufficient to determine the role of this variant in disease. Therefore, it has been classified as a Variant of Uncertain Significance. Algorithms developed to predict the effect of missense changes on protein structure and function are either unavailable or do not agree on the potential impact of this missense change (SIFT: "Tolerated"; PolyPhen-2: "Probably Damaging"; Align-GVGD: "Class C0"). This variant has been observed in individual(s) with dilated cardiomyopathy (Invitae). This variant is not present in population databases (ExAC no frequency). This sequence change replaces glutamic acid with glycine at codon 117 of the TPM1 protein (p.Glu117Gly). The glutamic acid residue is moderately conserved and there is a moderate physicochemical difference between glutamic acid and glycine.

NM_001018005.2(TPM1):c.350A>G (p.Glu117Gly)

Gene: TPM1 (tropomyosin 1; plus strand). Cytogenetic location: 15q22.2.
Variant type: single nucleotide variant.
Coding change: c.350A>G on transcript NM_001018005.2 (MANE Select); coding-DNA position 350, A replaced by G.
Protein change: p.Glu117Gly; replaces glutamic acid 117 with glycine.
Molecular consequence: missense variant.
Genome position (GRCh38, 1-based): chr15:63,057,094, A>G. VCF-style: chr15-63057094-A-G. GRCh37 (hg19) VCF-style: chr15-63349293-A-G.
Other names: c.350A>G, p.Glu117Gly (NM_000366.6, NM_001018004.2, NM_001018006.2 and 6 more transcripts); c.242A>G, p.Glu81Gly (NM_001018008.2, NM_001301289.2, NM_001330344.2 and 5 more transcripts); c.476A>G, p.Glu159Gly (NM_001365778.1); short protein forms E117G, E81G, E159G.
Identifiers: ClinVar variation 1502852 (VCV001502852.8), dbSNP rs2140908958, ClinGen allele CA392721245.
Genomic context (GRCh38, chr15:63,057,094, plus strand): 5'-AAGAGTTGGATCGTGCCCAGGAGCGTCTGGCAACAGCTTTGCAGAAGCTGGAGGAAGCTG[A>G]GAAGGCAGCAGATGAGAGTGAGAGGTGAGAATGCCTCATCAGCCATCTTTTGCAGCTGCC-3'
Protein context (NP_001018005.1, residues 107-127): ATALQKLEEA[Glu117Gly]KAADESERGM